The following is an entry in ClinVar:

ClinVar aggregate classification (germline): Conflicting classifications of pathogenicity. Review status: criteria provided, conflicting classifications (1 of 4 stars). 4 submissions from 4 submitters: Uncertain significance (3); Likely benign (1). Last evaluated 2025-12-16.

Conditions:
COL9A1-related disorder. Also called: COL9A1-related condition; COL9A1-related disorders.

Allele frequency attached by ClinVar (database versions not stated): gnomAD exomes 0.00006; ExAC 0.00008; gnomAD 0.00011; TOPMed 0.00012; ESP Exome Variant Server 0.00038.
gnomAD v4.1: 53 of 1,614,196 alleles (0.0033%); highest among the groups gnomAD compares: African/African-American, 0.028%; no homozygotes.

Submissions (4):

PreventionGenetics, part of Exact Sciences
Classification: Uncertain significance for COL9A1-related condition. Last evaluated: 2025-12-16. Review status: criteria provided, single submitter. Criteria: ACMG Guidelines, 2015. Collection method: clinical testing. Allele origin: germline.
Comment: The COL9A1 c.1818+3A>G variant is predicted to interfere with splicing. To our knowledge, this variant has not been reported in the literature. This variant is present in 0.036% of alleles in individuals of African descent in gnomAD. At this time, the clinical significance of this variant is uncertain due to the absence of conclusive functional and genetic evidence.

Blueprint Genetics
Classification: Likely benign. Last evaluated: 2024-10-14. Review status: criteria provided, single submitter. Criteria: ACMG Guidelines, 2015. Collection method: clinical testing. Allele origin: germline.

GeneDx
Classification: Uncertain significance. Last evaluated: 2023-01-26. Review status: criteria provided, single submitter. Criteria: GeneDx Variant Classification Process June 2021. Collection method: clinical testing. Allele origin: germline. Affected: yes.
Comment: Has not been previously published as pathogenic or benign to our knowledge; In silico analysis is inconclusive as to whether the variant alters gene splicing. In the absence of RNA/functional studies, the actual effect of this sequence change is unknown.

Labcorp Genetics (formerly Invitae), Labcorp
Classification: Uncertain significance. Last evaluated: 2022-10-31. Review status: criteria provided, single submitter. Criteria: Invitae Variant Classification Sherloc (09022015). Collection method: clinical testing. Allele origin: germline.
Comment: This sequence change falls in intron 27 of the COL9A1 gene. It does not directly change the encoded amino acid sequence of the COL9A1 protein. It affects a nucleotide within the consensus splice site. This variant is present in population databases (rs369133694, gnomAD 0.04%). This variant has not been reported in the literature in individuals affected with COL9A1-related conditions. ClinVar contains an entry for this variant (Variation ID: 935298). Variants that disrupt the consensus splice site are a relatively common cause of aberrant splicing (PMID: 17576681, 9536098). Algorithms developed to predict the effect of sequence changes on RNA splicing suggest that this variant may disrupt the consensus splice site. In summary, the available evidence is currently insufficient to determine the role of this variant in disease. Therefore, it has been classified as a Variant of Uncertain Significance.

Literature cited by the submitters: PubMed 17576681 (cited by Labcorp Genetics (formerly Invitae), Labcorp); PubMed 9536098 (cited by Labcorp Genetics (formerly Invitae), Labcorp).

NM_001851.6(COL9A1):c.1818+3A>G

Gene: COL9A1 (collagen type IX alpha 1 chain; minus strand). Cytogenetic location: 6q13.
Variant type: single nucleotide variant.
Coding change: c.1818+3A>G on transcript NM_001851.6 (MANE Select); 3 bases into the intron after coding-DNA position 1818, A replaced by G.
Molecular consequence: intron variant.
Genome position (GRCh38, 1-based): chr6:70,252,259, T>C on the plus strand (A>G on the coding strand, the complement: COL9A1 is on the minus strand). VCF-style: chr6-70252259-T-C. GRCh37 (hg19) VCF-style: chr6-70961962-T-C.
Other names: c.1089+3A>G (NM_001377290.1, NM_078485.4); c.1119+3A>G (NM_001377289.1).
Identifiers: ClinVar variation 935298 (VCV000935298.9), dbSNP rs369133694, ClinGen allele CA3882002.
Genomic context (GRCh38, chr6:70,252,259, plus strand): 5'-AAAAGTTAACACCTACTGATTACAACAGGTTAGAACTTCAGGAGAGGTAAAATGGTGTCT[T>C]ACCGGTTTGCCTGAATTTCCCATCTGACCAGGCTTCCCTGGAGCACCTGTGCTACCCTAA-3'